The following is an entry in ClinVar:

ClinVar aggregate classification (germline): Uncertain significance. Review status: criteria provided, multiple submitters, no conflicts (2 of 4 stars). 2 submissions from 2 submitters: Uncertain significance (2). Last evaluated 2021-03-31.

Conditions:
Temtamy preaxial brachydactyly syndrome (TPBS). Identifiers: Orphanet 363417, MedGen C1854466, MONDO:0011533, OMIM 605282.

Allele frequency attached by ClinVar (database versions not stated): gnomAD 0.00011; TOPMed 0.00029.
gnomAD v4.1: 33 of 1,613,974 alleles (0.002%); highest among the groups gnomAD compares: Admixed American, 0.032%; no homozygotes.

Submissions (2):

Labcorp Genetics (formerly Invitae), Labcorp
Classification: Uncertain significance for Temtamy preaxial brachydactyly syndrome. Last evaluated: 2021-03-31. Review status: criteria provided, single submitter. Criteria: Invitae Variant Classification Sherloc (09022015). Collection method: clinical testing. Allele origin: germline.
Comment: In summary, the available evidence is currently insufficient to determine the role of this variant in disease. Therefore, it has been classified as a Variant of Uncertain Significance. Algorithms developed to predict the effect of missense changes on protein structure and function are either unavailable or do not agree on the potential impact of this missense change (SIFT: "Deleterious"; PolyPhen-2: "Possibly Damaging"; Align-GVGD: "Class C15"). This variant has not been reported in the literature in individuals with CHSY1-related conditions. This variant is not present in population databases (ExAC no frequency). This sequence change replaces alanine with serine at codon 263 of the CHSY1 protein (p.Ala263Ser). The alanine residue is highly conserved and there is a moderate physicochemical difference between alanine and serine.

Blueprint Genetics
Classification: Uncertain significance. Last evaluated: 2018-12-05. Review status: criteria provided, single submitter. Criteria: ACMG Guidelines, 2015. Collection method: clinical testing. Allele origin: germline.

NM_014918.5(CHSY1):c.787G>T (p.Ala263Ser)

Gene: CHSY1 (chondroitin sulfate synthase 1; minus strand). Cytogenetic location: 15q26.3.
Variant type: single nucleotide variant.
Coding change: c.787G>T on transcript NM_014918.5 (MANE Select); coding-DNA position 787, G replaced by T.
Protein change: p.Ala263Ser; replaces alanine 263 with serine.
Molecular consequence: missense variant.
Genome position (GRCh38, 1-based): chr15:101,235,111, C>A on the plus strand (G>T on the coding strand, the complement: CHSY1 is on the minus strand). VCF-style: chr15-101235111-C-A. GRCh37 (hg19) VCF-style: chr15-101775316-C-A.
Other names: short protein forms A263S.
Identifiers: ClinVar variation 960564 (VCV000960564.9), dbSNP rs752265345, ClinGen allele CA276333242.